The following is an entry in ClinVar:

ClinVar aggregate classification (germline): Pathogenic/Likely pathogenic. Review status: criteria provided, multiple submitters, no conflicts (2 of 4 stars). 13 submissions from 12 submitters: Pathogenic (8); Likely pathogenic (3). 2 of the submissions do not count toward it. Last evaluated 2025-04-09.

Conditions:
Usher syndrome. Also called: Usher Syndromes; Usher's syndrome. Identifiers: Orphanet 886, MedGen CN469326, MeSH D052245, MONDO:0019501. Disease mechanism: loss of function.
USH2A-related disorder. Also called: USH2A-related disorders; USH2A-related condition. Identifiers: MedGen CN239332.
Retinitis pigmentosa 39 (RP39). Identifiers: Orphanet 791, MedGen C3151138, MONDO:0013436, OMIM 613809.
Usher syndrome type 2A. Also called: RETINAL DISEASE IN USHER SYNDROME TYPE IIA, MODIFIER OF; USHER SYNDROME, TYPE IIA. Identifiers: Orphanet 231178, Orphanet 886, MedGen C1848634, MONDO:0010169, OMIM 276901.
Retinitis pigmentosa (RP). Identifiers: Orphanet 791, MedGen C0035334, MeSH D012174, MONDO:0019200, OMIM 268000. Inheritance: Autosomal dominant, autosomal recessive and X linked inheritance.

Allele frequency attached by ClinVar (database versions not stated): gnomAD below 0.00001 and 0.00001; ExAC 0.00001; gnomAD exomes 0.00001.
gnomAD v4.1: 18 of 1,612,962 alleles (0.0011%); highest among the groups gnomAD compares: Non-Finnish European, 0.0014%; no homozygotes.

Submissions (13):

PreventionGenetics, part of Exact Sciences
Classification: Pathogenic for USH2A-related condition. Last evaluated: 2025-04-09. Review status: criteria provided, single submitter. Criteria: ACMG Guidelines, 2015. Collection method: clinical testing. Allele origin: germline.
Comment: The USH2A c.100C>T variant is predicted to result in premature protein termination (p.Arg34*). This variant has been reported along with a second causative USH2A variant in several individuals with a diagnosis or clinical features consistent with Usher syndrome type 2 or retinitis pigmentosa (Dreyer et al. 2000. PubMed ID: 10909849; Table S2, Carss et al. 2016. PubMed ID: 28041643; Stabej et al. 2012. PubMed ID: 22135276). This variant is reported in 0.0033% of alleles in individuals of South Asian descent in gnomAD. Nonsense variants in USH2A are expected to be pathogenic. This variant is interpreted as pathogenic.

Labcorp Genetics (formerly Invitae), Labcorp
Classification: Pathogenic. Last evaluated: 2025-03-17. Review status: criteria provided, single submitter. Criteria: Invitae Variant Classification Sherloc (09022015). Collection method: clinical testing. Allele origin: germline.
Comment: This sequence change creates a premature translational stop signal (p.Arg34*) in the USH2A gene. It is expected to result in an absent or disrupted protein product. Loss-of-function variants in USH2A are known to be pathogenic (PMID: 10729113, 10909849, 20507924, 25649381). This variant is present in population databases (rs772808534, gnomAD 0.003%). This premature translational stop signal has been observed in individuals with Usher syndrome or retinitis pigmentosa (PMID: 10909849, 15823922, 28041643). ClinVar contains an entry for this variant (Variation ID: 438000). For these reasons, this variant has been classified as Pathogenic.

Blueprint Genetics
Classification: Pathogenic for USH2A-related disorders. Last evaluated: 2024-09-13. Review status: criteria provided, single submitter. Criteria: ACMG Guidelines, 2015. Collection method: clinical testing. Allele origin: germline. Affected: yes. Observed: 5 variant alleles.

Natera, Inc.
Classification: Pathogenic for Usher syndrome type 2A. Last evaluated: 2024-08-15. Review status: criteria provided, single submitter. Criteria: Natera Variant Classification Schema (03/2026). Collection method: clinical testing. Allele origin: germline.
Comment: The c.100C>T variant in USH2A is a nonsense variant predicted to introduce a stop codon at amino acid 34. This variant is expected to result in nonsense mediated decay, truncation, or a dysfunctional protein product. This variant is rare in the general population with a frequency below the threshold expected for the associated phenotype(s). This variant has been observed in one or more individuals affected with the associated recessive disease, as either homozygous or compound heterozygous with a second variant (PMID: 32675063, 27460420, 32995707, 19683999, 15823922, 10909849, 32566994, 22135276, 35457016). Additionally, this variant has been observed to segregate in affected family members (PMID: 32675063). Given the available evidence, this variant is classified as Pathogenic.

GeneDx
Classification: Pathogenic. Last evaluated: 2024-01-16. Review status: criteria provided, single submitter. Criteria: GeneDx Variant Classification Process June 2021. Collection method: clinical testing. Allele origin: germline. Affected: yes.
Comment: Nonsense variant predicted to result in protein truncation or nonsense mediated decay in a gene for which loss of function is a known mechanism of disease; Not observed at significant frequency in large population cohorts (gnomAD); This variant is associated with the following publications: (PMID: 10909849, 28041643, 32581362, 32467589, 32675063, 36011334, 31964843, 32566994, 36110214, 29953849, 31266775, 37217489, 36819107, 25333064, 32995707, 16098008, 26338283, 35457016, 29912909, 35076463, 31429209, 34906470, 34948090, 22135276, 36460718, 19683999, 35665479, 15823922)

Women's Health and Genetics/Laboratory Corporation of America, LabCorp
Classification: Pathogenic for Usher syndrome. Last evaluated: 2023-11-28. Review status: criteria provided, single submitter. Criteria: LabCorp Variant Classification Summary - May 2015. Collection method: clinical testing. Allele origin: germline.
Comment: Variant summary: USH2A c.100C>T (p.Arg34X) results in a premature termination codon, predicted to cause a truncation of the encoded protein or absence of the protein due to nonsense mediated decay, which are commonly known mechanisms for disease. Variants downstream of this position have been classified as pathogenic by our laboratory. The variant allele was found at a frequency of 8e-06 in 250392 control chromosomes. c.100C>T has been reported in the literature in individuals affected with Usher Syndrome (e.g. Dreyer_2008). To our knowledge, no experimental evidence demonstrating an impact on protein function has been reported. Six submitters have cited clinical-significance assessments for this variant to ClinVar after 2014. The following publication have been ascertained in the context of this evaluation (PMID: 18273898). All submitters classified the variant as pathogenic/likely pathogenic. Based on the evidence outlined above, the variant was classified as pathogenic.

Baylor Genetics
Classification: Pathogenic for Retinitis pigmentosa 39. Last evaluated: 2023-11-19. Review status: criteria provided, single submitter. Criteria: ACMG Guidelines, 2015. Collection method: clinical testing. Allele origin: unknown.

Genome-Nilou Lab
Classification: Likely pathogenic for Retinitis pigmentosa 39. Last evaluated: 2023-11-04. Review status: criteria provided, single submitter. Criteria: ACMG Guidelines, 2015. Collection method: clinical testing. Allele origin: germline. Affected: no.

Genome-Nilou Lab
Classification: Likely pathogenic for Usher syndrome type 2A. Last evaluated: 2023-11-04. Review status: criteria provided, single submitter. Criteria: ACMG Guidelines, 2015. Collection method: clinical testing. Allele origin: germline. Affected: no.

Ocular Genomics Institute, Massachusetts Eye and Ear
Classification: Likely pathogenic for Retinitis pigmentosa 39. Last evaluated: 2021-04-08. Review status: criteria provided, single submitter. Criteria: ACMG Guidelines, 2015. Collection method: research. Allele origin: germline. Affected: yes.
Comment: Through a review of available evidence we were able to apply the following criteria: PVS1, PM2. Based on this evidence we have classified this variant as Likely Pathogenic.

Institute of Medical Genetics and Applied Genomics, University Hospital Tübingen
Classification: Pathogenic. Last evaluated: 2020-10-23. Review status: criteria provided, single submitter. Criteria: ACMG Guidelines, 2015. Collection method: clinical testing. Allele origin: germline. Inheritance: Autosomal recessive inheritance. Affected: yes.

Counsyl
Classification: Pathogenic for Usher syndrome type 2A; Retinitis pigmentosa 39. Last evaluated: 2018-03-01. Review status: no assertion criteria provided. Collection method: clinical testing. Allele origin: unknown. Not counted in ClinVar's aggregate classification.

NIHR Bioresource Rare Diseases, University of Cambridge
Classification: Pathogenic for Retinitis pigmentosa. Last evaluated: 2015-01-01. Review status: no assertion criteria provided. Collection method: research. Allele origin: unknown. Affected: yes. Observed: 1 variant allele. Not counted in ClinVar's aggregate classification.

Literature cited by the submitters: PubMed 10729113 (cited by Labcorp Genetics (formerly Invitae), Labcorp and Ocular Genomics Institute, Massachusetts Eye and Ear); PubMed 10909849 (cited by 5 submitters); PubMed 20507924 (cited by Labcorp Genetics (formerly Invitae), Labcorp and Ocular Genomics Institute, Massachusetts Eye and Ear); PubMed 25649381 (cited by Labcorp Genetics (formerly Invitae), Labcorp and Ocular Genomics Institute, Massachusetts Eye and Ear); PubMed 15823922 (cited by 4 submitters); PubMed 28041643 (cited by 4 submitters); PubMed 32675063 (cited by Natera, Inc.); PubMed 27460420 (cited by 3 submitters); PubMed 32995707 (cited by Natera, Inc.); PubMed 19683999 (cited by 3 submitters); PubMed 32566994 (cited by Natera, Inc.); PubMed 22135276 (cited by 3 submitters); PubMed 35457016 (cited by Natera, Inc.); PubMed 18273898 (cited by Women's Health and Genetics/Laboratory Corporation of America, LabCorp); PubMed 26338283 (cited by Ocular Genomics Institute, Massachusetts Eye and Ear and Counsyl); PubMed 25333064 (cited by Ocular Genomics Institute, Massachusetts Eye and Ear and Counsyl); PubMed 24944099 (cited by Ocular Genomics Institute, Massachusetts Eye and Ear and Counsyl).

NM_206933.4(USH2A):c.100C>T (p.Arg34Ter)

Gene: USH2A (usherin; minus strand). Cytogenetic location: 1q41.
Variant type: single nucleotide variant.
Coding change: c.100C>T on transcript NM_206933.4 (MANE Select); coding-DNA position 100, C replaced by T.
Protein change: p.Arg34Ter; replaces arginine 34 with a stop codon.
Molecular consequence: nonsense.
Genome position (GRCh38, 1-based): chr1:216,422,237, G>A on the plus strand (C>T on the coding strand, the complement: USH2A is on the minus strand). VCF-style: chr1-216422237-G-A. GRCh37 (hg19) VCF-style: chr1-216595579-G-A.
Other names: c.100C>T, p.Arg34Ter (NM_007123.6); short protein forms R34*.
Identifiers: ClinVar variation 438000 (VCV000438000.22), dbSNP rs772808534, ClinGen allele CA1396855.